The following is an entry in ClinVar:

NM_000275.3(OCA2):c.976A>G (p.Ser326Gly)

Gene: OCA2 (OCA2 melanosomal transmembrane protein; minus strand). Cytogenetic location: 15q13.1.
Variant type: single nucleotide variant.
Coding change: c.976A>G on transcript NM_000275.3 (MANE Select); coding-DNA position 976, A replaced by G.
Protein change: p.Ser326Gly; replaces serine 326 with glycine.
Molecular consequence: missense variant.
Genome position (GRCh38, 1-based): chr15:28,014,844, T>C on the plus strand (A>G on the coding strand, the complement: OCA2 is on the minus strand). VCF-style: chr15-28014844-T-C. GRCh37 (hg19) VCF-style: chr15-28259990-T-C.
Other names: c.976A>G, p.Ser326Gly (NM_001300984.2); short protein forms S326G.
Identifiers: ClinVar variation 2002531 (VCV002002531.4), dbSNP rs2548434940, ClinGen allele CA391364943.

ClinVar aggregate classification (germline): Uncertain significance (1 of 4 stars; one submission).

Submission:

Labcorp Genetics (formerly Invitae), Labcorp
Classification: Uncertain significance. Last evaluated: 2022-06-05. Review status: criteria provided, single submitter. Criteria: Invitae Variant Classification Sherloc (09022015). Collection method: clinical testing. Allele origin: germline.
Comment: In summary, the available evidence is currently insufficient to determine the role of this variant in disease. Therefore, it has been classified as a Variant of Uncertain Significance. Advanced modeling of protein sequence and biophysical properties (such as structural, functional, and spatial information, amino acid conservation, physicochemical variation, residue mobility, and thermodynamic stability) performed at Invitae indicates that this missense variant is not expected to disrupt OCA2 protein function. This variant has not been reported in the literature in individuals affected with OCA2-related conditions. This variant is not present in population databases (gnomAD no frequency). This sequence change replaces serine, which is neutral and polar, with glycine, which is neutral and non-polar, at codon 326 of the OCA2 protein (p.Ser326Gly).